The following is an entry in ClinVar:

ClinVar aggregate classification (germline): Likely pathogenic (1 of 4 stars; one submission).

Conditions:
Alkuraya-Kucinskas syndrome. Identifiers: Orphanet 610569, MedGen C4693347, MONDO:0060631, OMIM 617822.

Submission:

Institute of Bioinformatics
Classification: Likely pathogenic for Alkuraya-Kucinskas syndrome. Last evaluated: 2020-02-09. Review status: criteria provided, single submitter. Criteria: ACMG Guidelines, 2015. Collection method: case-control. Allele origin: inherited. Inheritance: Autosomal recessive inheritance. Affected: yes. Observed: 1 homozygote.
Comment: The Thr811Ala variant has been found to segregate in four individuals from two related families. It was inherited in autosomal recessive mode of inheritance and was absent from large population studies. It is located in a highly conserved region and likely a pathogenic mutation.

NM_001384125.1(BLTP1):c.2431A>G (p.Thr811Ala)

Gene: BLTP1 (bridge-like lipid transfer protein family member 1; plus strand). Cytogenetic location: 4q27.
Variant type: single nucleotide variant.
Coding change: c.2431A>G on transcript NM_001384125.1 (MANE Select); coding-DNA position 2431, A replaced by G.
Protein change: p.Thr811Ala; replaces threonine 811 with alanine.
Molecular consequence: missense variant.
Genome position (GRCh38, 1-based): chr4:122,219,523, A>G. VCF-style: chr4-122219523-A-G. GRCh37 (hg19) VCF-style: chr4-123140678-A-G.
Other names: c.2431A>G, p.Thr811Ala (NM_015312.4); short protein forms T811A.
Identifiers: ClinVar variation 929835 (VCV000929835.3), dbSNP rs1753117321, ClinGen allele CA358076787.